The following is an entry in ClinVar:

NM_001291746.2(REL):c.1445T>C (p.Leu482Pro)

Gene: REL (REL proto-oncogene, NF-kB subunit; plus strand). Cytogenetic location: 2p16.1.
Variant type: single nucleotide variant.
Coding change: c.1445T>C on transcript NM_001291746.2 (MANE Select); coding-DNA position 1445, T replaced by C.
Protein change: p.Leu482Pro; replaces leucine 482 with proline.
Molecular consequence: missense variant.
Genome position (GRCh38, 1-based): chr2:60,922,216, T>C. VCF-style: chr2-60922216-T-C. GRCh37 (hg19) VCF-style: chr2-61149351-T-C.
Other names: c.1541T>C, p.Leu514Pro (NM_002908.4); short protein forms L514P, L482P.
Identifiers: ClinVar variation 2007180 (VCV002007180.4), dbSNP rs2466297432, ClinGen allele CA347045158.

ClinVar aggregate classification (germline): Uncertain significance (1 of 4 stars; one submission).

Submission:

Labcorp Genetics (formerly Invitae), Labcorp
Classification: Uncertain significance. Last evaluated: 2024-04-23. Review status: criteria provided, single submitter. Criteria: Invitae Variant Classification Sherloc (09022015). Collection method: clinical testing. Allele origin: germline.
Comment: This sequence change replaces leucine, which is neutral and non-polar, with proline, which is neutral and non-polar, at codon 514 of the REL protein (p.Leu514Pro). This variant is not present in population databases (gnomAD no frequency). This variant has not been reported in the literature in individuals affected with REL-related conditions. ClinVar contains an entry for this variant (Variation ID: 2007180). An algorithm developed to predict the effect of missense changes on protein structure and function (PolyPhen-2) suggests that this variant is likely to be disruptive. In summary, the available evidence is currently insufficient to determine the role of this variant in disease. Therefore, it has been classified as a Variant of Uncertain Significance.